The following is an entry in ClinVar:

ClinVar aggregate classification (germline): Pathogenic. Review status: criteria provided, multiple submitters, no conflicts (2 of 4 stars). 2 submissions from 2 submitters: Pathogenic (2). Last evaluated 2023-05-12.

Conditions:
Familial adenomatous polyposis 1 (FAP1). Also called: FAMILIAL ADENOMATOUS POLYPOSIS 1, ATTENUATED; POLYPOSIS, ADENOMATOUS INTESTINAL. Identifiers: MedGen C2713442, MONDO:0021056, OMIM 175100. Disease mechanism: loss of function.

Submissions (2):

Myriad Genetics, Inc.
Classification: Pathogenic for Familial adenomatous polyposis 1. Last evaluated: 2023-05-12. Review status: criteria provided, single submitter. Criteria: Myriad Autosomal Dominant, Autosomal Recessive and X-Linked Classification Criteria (2023). Collection method: clinical testing. Allele origin: unknown.
Comment: This variant is considered pathogenic. This variant creates a frameshift predicted to result in premature protein truncation.

Labcorp Genetics (formerly Invitae), Labcorp
Classification: Pathogenic for Familial adenomatous polyposis 1. Last evaluated: 2022-11-12. Review status: criteria provided, single submitter. Criteria: Invitae Variant Classification Sherloc (09022015). Collection method: clinical testing. Allele origin: germline.
Comment: This sequence change creates a premature translational stop signal (p.Glu1719Argfs*4) in the APC gene. While this is not anticipated to result in nonsense mediated decay, it is expected to disrupt the last 1125 amino acid(s) of the APC protein. This variant is not present in population databases (gnomAD no frequency). This variant has not been reported in the literature in individuals affected with APC-related conditions. ClinVar contains an entry for this variant (Variation ID: 1374739). This variant is expected to disrupt the EB1 and HDLG binding sites, which mediate interactions with the cytoskeleton (PMID: 15311282, 17293347). While functional studies have not been performed to directly test the effect on APC protein function, this suggests that disruption of the C-terminal portion of the protein is functionally important. A different truncation (p.Tyr2645Lysfs*14) that lies downstream of this variant has been determined to be pathogenic (PMID: 9824584, 1316610, 27081525, 8381579, 22135120, Invitae). This suggests that deletion of this region of the APC protein is causative of disease. For these reasons, this variant has been classified as Pathogenic.

Literature cited by the submitters: PubMed 15311282 (cited by Labcorp Genetics (formerly Invitae), Labcorp); PubMed 17293347 (cited by Labcorp Genetics (formerly Invitae), Labcorp); PubMed 9824584 (cited by Labcorp Genetics (formerly Invitae), Labcorp); PubMed 1316610 (cited by Labcorp Genetics (formerly Invitae), Labcorp); PubMed 27081525 (cited by Labcorp Genetics (formerly Invitae), Labcorp); PubMed 8381579 (cited by Labcorp Genetics (formerly Invitae), Labcorp); PubMed 22135120 (cited by Labcorp Genetics (formerly Invitae), Labcorp).

NM_000038.6(APC):c.5154dup (p.Glu1719fs)

Gene: APC (APC regulator of Wnt signaling pathway; plus strand). Cytogenetic location: 5q22.2.
Variant type: Duplication.
Coding change: c.5154dup on transcript NM_000038.6 (MANE Select); coding-DNA position 5154, one base duplicated (A; older notation c.5154dupA).
Protein change: p.Glu1719fs; shifts the reading frame from glutamic acid 1719.
Molecular consequence: frameshift variant.
Genome position (GRCh38, 1-based): chr5:112,840,748, A duplicated. VCF-style (leftmost placement, unchanged base first): chr5-112840747-C-CA. GRCh37 (hg19) VCF-style: chr5-112176444-C-CA.
Other names: c.5154dup, p.Glu1719fs (NM_001127510.3, NM_001354895.2); c.5100dup, p.Glu1701fs (NM_001127511.3); c.5208dup, p.Glu1737fs (NM_001354896.2); c.5184dup, p.Glu1729fs (NM_001354897.2); c.5079dup, p.Glu1694fs (NM_001354898.2); c.5070dup, p.Glu1691fs (NM_001354899.2); c.5031dup, p.Glu1678fs (NM_001354900.2); c.4977dup, p.Glu1660fs (NM_001354901.2); and 5 more; short protein forms E1593fs, E1694fs, E1737fs, E1691fs, E1559fs, E1618fs, E1678fs, E1701fs.
Identifiers: ClinVar variation 1374739 (VCV001374739.9), dbSNP rs2149933386, ClinGen allele CA2573138672.
Genomic context (GRCh38, chr5:112,840,747, plus strand): 5'-ATGAGGCTCAAGGAGGAAAAACCTCATCTGTAACCATACCTGAATTGGATGACAATAAAG[C>CA]AGAGGAAGGTGATATTCTTGCAGAATGCATTAATTCTGCTATGCCCAAAGGGAAAAGTCA-3'